The following is an entry in ClinVar:

NM_001252024.2(TRPM1):c.4337T>A (p.Phe1446Tyr)

Gene: TRPM1 (transient receptor potential cation channel subfamily M member 1; minus strand). Cytogenetic location: 15q13.3.
Variant type: single nucleotide variant.
Coding change: c.4337T>A on transcript NM_001252024.2 (MANE Select); coding-DNA position 4337, T replaced by A.
Protein change: p.Phe1446Tyr; replaces phenylalanine 1446 with tyrosine.
Molecular consequence: missense variant.
Genome position (GRCh38, 1-based): chr15:31,002,363, A>T on the plus strand (T>A on the coding strand, the complement: TRPM1 is on the minus strand). VCF-style: chr15-31002363-A-T. GRCh37 (hg19) VCF-style: chr15-31294566-A-T.
Other names: c.4388T>A (NM_001252020.1); c.4388T>A, p.Phe1463Tyr (NM_001252020.2); c.4271T>A, p.Phe1424Tyr (NM_002420.6); short protein forms F1424Y, F1463Y, F1446Y.
Identifiers: ClinVar variation 498300 (VCV000498300.9), dbSNP rs781295423, ClinGen allele CA7451662.
Genomic context (GRCh38, chr15:31,002,363, plus strand): 5'-CGGGAATAGACGAAGCTTCTGGACTTCATTGTTTTACAAGCATTGATCGTTTCATCGGGG[A>T]AATAGCGTGTAATTTTGGTTTCTTCCAGGGGATAGGAAATAGTGCCTTCTATATTTGTCG-3'
Protein context (NP_001238953.1, residues 1436-1456): PLEETKITRY[Phe1446Tyr]PDETINACKT

ClinVar aggregate classification (germline): Conflicting classifications of pathogenicity. Review status: criteria provided, conflicting classifications (1 of 4 stars). 3 submissions from 3 submitters: Uncertain significance (2); Likely benign (1). Last evaluated 2026-01-06.

Conditions:
TRPM1-related disorder. Also called: TRPM1-related condition.

Allele frequency attached by ClinVar (database versions not stated): gnomAD exomes 0.00002 and 0.00009; gnomAD 0.00003; TOPMed 0.00003; ExAC 0.00005.
gnomAD v4.1: 27 of 1,614,062 alleles (0.0017%); highest among the groups gnomAD compares: East Asian, 0.06%; no homozygotes.

Submissions (3):

PreventionGenetics, part of Exact Sciences
Classification: Uncertain significance for TRPM1-related condition. Last evaluated: 2026-01-06. Review status: criteria provided, single submitter. Criteria: ACMG Guidelines, 2015. Collection method: clinical testing. Allele origin: germline.
Comment: The TRPM1 c.4388T>A variant is predicted to result in the amino acid substitution p.Phe1463Tyr. To our knowledge, this variant has not been reported in the literature. This variant is reported in 0.12% of alleles in individuals of East Asian descent in gnomAD, which may be too frequent to be a primary cause of disease. Although we suspect that this variant may be benign, at this time, the clinical significance of this variant is uncertain due to the absence of conclusive functional and genetic evidence.

Labcorp Genetics (formerly Invitae), Labcorp
Classification: Likely benign. Last evaluated: 2025-04-14. Review status: criteria provided, single submitter. Criteria: Invitae Variant Classification Sherloc (09022015). Collection method: clinical testing. Allele origin: germline.

Eurofins Ntd Llc (ga)
Classification: Uncertain significance. Last evaluated: 2016-11-21. Review status: criteria provided, single submitter. Criteria: EGL Classification Definitions 2015. Collection method: clinical testing. Allele origin: germline. Observed: 1 variant allele, 1 heterozygote.